The following is an entry in ClinVar:

NM_004218.4(RAB11B):c.578A>G (p.Asn193Ser)

Gene: RAB11B (RAB11B, member RAS oncogene family; plus strand). Cytogenetic location: 19p13.2.
Variant type: single nucleotide variant.
Coding change: c.578A>G on transcript NM_004218.4 (MANE Select); coding-DNA position 578, A replaced by G.
Protein change: p.Asn193Ser; replaces asparagine 193 with serine.
Molecular consequence: missense variant.
Genome position (GRCh38, 1-based): chr19:8,403,479, A>G. VCF-style: chr19-8403479-A-G. GRCh37 (hg19) VCF-style: chr19-8468363-A-G.
Other names: short protein forms N193S.
Identifiers: ClinVar variation 4082983 (VCV004082983.1).
Genomic context (GRCh38, chr19:8,403,479, plus strand): 5'-ACCGCATCGTGTCACAGAAACAGATCGCAGACCGCGCTGCCCACGACGAGTCCCCGGGGA[A>G]CAACGTGGTGGACATCAGCGTGCCGCCCACCACGGACGGACAGAAGCCCAACAAGCTGCA-3'
Protein context (NP_004209.2, residues 183-203): DRAAHDESPG[Asn193Ser]NVVDISVPPT

ClinVar aggregate classification (germline): Uncertain significance (1 of 4 stars; one submission).

Submission:

GeneDx
Classification: Uncertain significance. Last evaluated: 2025-03-13. Review status: criteria provided, single submitter. Criteria: GeneDx Variant Classification Process June 2021. Collection method: clinical testing. Allele origin: germline. Affected: yes.
Comment: Not observed at significant frequency in large population cohorts (gnomAD); In silico analysis indicates that this missense variant does not alter protein structure/function; Has not been previously published as pathogenic or benign to our knowledge